The following is an entry in ClinVar:

NM_001563.4(IMPG1):c.388T>A (p.Cys130Ser)

Gene: IMPG1 (interphotoreceptor matrix proteoglycan 1; minus strand). Cytogenetic location: 6q14.1.
Variant type: single nucleotide variant.
Coding change: c.388T>A on transcript NM_001563.4 (MANE Select); coding-DNA position 388, T replaced by A.
Protein change: p.Cys130Ser; replaces cysteine 130 with serine.
Molecular consequence: missense variant.
Genome position (GRCh38, 1-based): chr6:76,034,701, A>T on the plus strand (T>A on the coding strand, the complement: IMPG1 is on the minus strand). VCF-style: chr6-76034701-A-T. GRCh37 (hg19) VCF-style: chr6-76744418-A-T.
Other names: c.154T>A, p.Cys52Ser (NM_001282368.2); short protein forms C52S, C130S.
Identifiers: ClinVar variation 2966612 (VCV002966612.4), dbSNP rs768948437, ClinGen allele CA3898548.
Genomic context (GRCh38, chr6:76,034,701, plus strand): 5'-GCTCCTGGGAATTGCTGAAGTTTTTTCCAATGTCAAAGAGGCAGAAGGTCTCCTGCTGGC[A>T]GATGCTGACCCAGTCCTGATATTCCCCTGTGTCAGGGATGCGATCCAGAAAGATCCGATA-3'
Protein context (NP_001554.2, residues 120-140): TGEYQDWVSI[Cys130Ser]QQETFCLFDI

ClinVar aggregate classification (germline): Uncertain significance. Review status: criteria provided, multiple submitters, no conflicts (2 of 4 stars). 2 submissions from 2 submitters: Uncertain significance (2). Last evaluated 2026-01-24.

Allele frequency attached by ClinVar (database versions not stated): ExAC 0.00002.
gnomAD v4.1: 6 of 1,614,038 alleles (0.00037%); highest among the groups gnomAD compares: African/African-American, 0.0067%; no homozygotes.

Submissions (2):

Labcorp Genetics (formerly Invitae), Labcorp
Classification: Uncertain significance. Last evaluated: 2026-01-24. Review status: criteria provided, single submitter. Criteria: Invitae Variant Classification Sherloc (09022015). Collection method: clinical testing. Allele origin: germline.
Comment: This sequence change replaces cysteine, which is neutral and slightly polar, with serine, which is neutral and polar, at codon 130 of the IMPG1 protein (p.Cys130Ser). This variant is present in population databases (rs768948437, gnomAD 0.01%). This variant has not been reported in the literature in individuals affected with IMPG1-related conditions. ClinVar contains an entry for this variant (Variation ID: 2966612). An algorithm developed to predict the effect of missense changes on protein structure and function (PolyPhen-2) suggests that this variant is likely to be disruptive. In summary, the available evidence is currently insufficient to determine the role of this variant in disease. Therefore, it has been classified as a Variant of Uncertain Significance.

Blueprint Genetics
Classification: Uncertain significance. Last evaluated: 2021-03-18. Review status: criteria provided, single submitter. Criteria: ACMG Guidelines, 2015. Collection method: clinical testing. Allele origin: germline.